The following is an entry in ClinVar:

NM_133642.5(LARGE1):c.*1201A>G

Gene: LARGE1 (LARGE xylosyl- and glucuronyltransferase 1; minus strand). Cytogenetic location: 22q12.3.
Variant type: single nucleotide variant.
Coding change: c.*1201A>G on transcript NM_133642.5 (MANE Select); 1201 bases downstream of the stop codon, A replaced by G.
Molecular consequence: 3 prime UTR variant.
Genome position (GRCh38, 1-based): chr22:33,273,226, T>C on the plus strand (A>G on the coding strand, the complement: LARGE1 is on the minus strand). VCF-style: chr22-33273226-T-C. GRCh37 (hg19) VCF-style: chr22-33669212-T-C.
Other names: c.*1201A>G (NM_001362949.2, NM_001362951.2, NM_001362953.2 and 9 more transcripts).
Identifiers: ClinVar variation 341412 (VCV000341412.5), dbSNP rs11544101, ClinGen allele CA10654098.

ClinVar aggregate classification (germline): Benign. Review status: criteria provided, single submitter (1 of 4 stars). 2 submissions from 1 submitter: Benign (2). Last evaluated 2018-01-12.

Conditions:
Muscular dystrophy-dystroglycanopathy (congenital with brain and eye anomalies), type A6. Also called: MUSCULAR DYSTROPHY-DYSTROGLYCANOPATHY (CONGENITAL WITH BRAIN AND EYE ANOMALIES), TYPE A, 6; WALKER-WARBURG SYNDROME OR MUSCLE-EYE-BRAIN DISEASE, LARGE-RELATED. Identifiers: Orphanet 588, Orphanet 899, MedGen C3150414, MONDO:0013158, OMIM 613154.
Muscular dystrophy-dystroglycanopathy type B6 (MDDGB6). Also called: MUSCULAR DYSTROPHY, CONGENITAL, LARGE-RELATED; MUSCULAR DYSTROPHY, CONGENITAL, TYPE 1D; MUSCULAR DYSTROPHY-DYSTROGLYCANOPATHY (CONGENITAL WITH IMPAIRED INTELLECTUAL DEVELOPMENT), TYPE B, 6. Identifiers: MedGen C1837229, MONDO:0012138, OMIM 608840.

Allele frequency attached by ClinVar (database versions not stated): gnomAD exomes 0.00116; gnomAD 0.00795 and 0.00840; 1000 Genomes Project 30x 0.00874; TOPMed 0.00918; 1000 Genomes Project 0.00919.
gnomAD v4.1: 1,519 of 397,048 alleles (0.38%); highest among the groups gnomAD compares: African/African-American, 2.7%; 31 homozygotes.

Submissions (2):

Illumina Laboratory Services, Illumina
Classification: Benign for Muscular dystrophy-dystroglycanopathy (congenital with brain and eye anomalies), type A6. Last evaluated: 2018-01-12. Review status: criteria provided, single submitter. Criteria: ICSL Variant Classification Criteria 13 December 2019. Collection method: clinical testing. Allele origin: germline.
Comment: This variant was observed in the ICSL laboratory as part of a predisposition screen in an ostensibly healthy population. It had not been previously curated by ICSL or reported in the Human Gene Mutation Database (HGMD: prior to June 1st, 2018), and was therefore a candidate for classification through an automated scoring system. Utilizing variant allele frequency, disease prevalence and penetrance estimates, and inheritance mode, an automated score was calculated to assess if this variant is too frequent to cause the disease. Based on the score and internal cut-off values, a variant classified as benign is not then subjected to further curation. The score for this variant resulted in a classification of benign for this disease.

Illumina Laboratory Services, Illumina
Classification: Benign for Muscular dystrophy-dystroglycanopathy type B6. Last evaluated: 2018-01-12. Review status: criteria provided, single submitter. Criteria: ICSL Variant Classification Criteria 13 December 2019. Collection method: clinical testing. Allele origin: germline.
Comment: the same text as in the submission from Illumina Laboratory Services, Illumina above.